The following is an entry in ClinVar:

ClinVar aggregate classification (germline): Likely pathogenic (1 of 4 stars; one submission).

Conditions:
Mucopolysaccharidosis, MPS-III-A (MPS3A). Also called: mucopolysaccharidosis type 3A; MPS IIIA (Sanfilippo Syndrome Type A); HEPARAN SULFATE SULFATASE DEFICIENCY; MUCOPOLYSACCHARIDOSIS, TYPE IIIA, ATTENUATED; Mucopolysaccharidosis type IIIA (Sanfilippo A); Mucopolysaccharidosis, type IIIA. Identifiers: Orphanet 581, Orphanet 79269, MedGen C0086647, MONDO:0009655, OMIM 252900.

Submission:

Labcorp Genetics (formerly Invitae), Labcorp
Classification: Likely pathogenic for Mucopolysaccharidosis, MPS-III-A. Last evaluated: 2020-04-01. Review status: criteria provided, single submitter. Criteria: Invitae Variant Classification Sherloc (09022015). Collection method: clinical testing. Allele origin: germline.
Comment: In summary, the currently available evidence indicates that the variant is pathogenic, but additional data are needed to prove that conclusively. Therefore, this variant has been classified as Likely Pathogenic. Donor and acceptor splice site variants typically lead to a loss of protein function (PMID: 16199547), and loss-of-function variants in SGSH are known to be pathogenic (PMID: 11182930, 21204211, 22976768). Algorithms developed to predict the effect of sequence changes on RNA splicing suggest that this variant may disrupt the consensus splice site, but this prediction has not been confirmed by published transcriptional studies. This variant has not been reported in the literature in individuals with SGSH-related conditions. The frequency data for this variant in the population databases is considered unreliable, as metrics indicate insufficient coverage at this position in the ExAC database. This sequence change affects donor splice site in intron 1 of the SGSH gene. It is expected to disrupt RNA splicing and likely results in an absent or disrupted protein product.

Literature cited by the submitters: PubMed 16199547; PubMed 11182930; PubMed 21204211; PubMed 22976768.

NM_000199.5(SGSH):c.88_88+67del

Gene: SGSH (N-sulfoglucosamine sulfohydrolase; minus strand). Cytogenetic location: 17q25.3.
Variant type: Deletion.
Coding change: c.88_88+67del on transcript NM_000199.5 (MANE Select); coding-DNA position 88 through 67 bases into the intron after coding-DNA position 88, 68 bases deleted.
Molecular consequence: splice donor variant.
Genome position (GRCh38, 1-based): chr17:80,220,159-80,220,226, 68 bases deleted. GRCh37 (hg19): chr17:78,193,964-78,194,031.
Other names: c.88_88+67del (NM_001352921.3, NM_001352922.2).
Identifiers: ClinVar variation 1068230 (VCV001068230.7), dbSNP rs2144830115, ClinGen allele CA2499225021.